The following is an entry in ClinVar:

NM_002734.5(PRKAR1A):c.178-2A>T

Gene: PRKAR1A (protein kinase cAMP-dependent type I regulatory subunit alpha; plus strand). Cytogenetic location: 17q24.2.
Variant type: single nucleotide variant.
Coding change: c.178-2A>T on transcript NM_002734.5 (MANE Select); the canonical splice acceptor site of the intron before coding-DNA position 178, A replaced by T.
Molecular consequence: splice acceptor variant.
Genome position (GRCh38, 1-based): chr17:68,522,754, A>T. VCF-style: chr17-68522754-A-T. GRCh37 (hg19) VCF-style: chr17-66518895-A-T.
Other names: c.178-2A>T (NM_001278433.2, NM_001369389.1, NM_212471.3 and 4 more transcripts).
Identifiers: ClinVar variation 3673560 (VCV003673560.2).

ClinVar aggregate classification (germline): Likely pathogenic (1 of 4 stars; one submission).

Conditions:
Carney complex, type 1 (CNC1). Also called: CARNEY COMPLEX, TYPE I; CARNEY MYXOMA-ENDOCRINE COMPLEX. Identifiers: Orphanet 1359, MedGen C2607929, MONDO:0008057, OMIM 160980.

Submission:

Labcorp Genetics (formerly Invitae), Labcorp
Classification: Likely pathogenic for Carney complex, type 1. Last evaluated: 2024-08-01. Review status: criteria provided, single submitter. Criteria: Invitae Variant Classification Sherloc (09022015). Collection method: clinical testing. Allele origin: germline.
Comment: This sequence change affects an acceptor splice site in intron 2 of the PRKAR1A gene. It is expected to disrupt RNA splicing. Variants that disrupt the donor or acceptor splice site typically lead to a loss of protein function (PMID: 16199547), and loss-of-function variants in PRKAR1A are known to be pathogenic (PMID: 11115848, 19293268). This variant is not present in population databases (gnomAD no frequency). Disruption of this splice site has been observed in individual(s) with PRKAR1A-related conditions (PMID: 19293268). Algorithms developed to predict the effect of sequence changes on RNA splicing suggest that this variant may disrupt the consensus splice site. In summary, the currently available evidence indicates that the variant is pathogenic, but additional data are needed to prove that conclusively. Therefore, this variant has been classified as Likely Pathogenic.

Literature cited by the submitters: PubMed 16199547; PubMed 11115848; PubMed 19293268.